The following is an entry in ClinVar:

NM_001276345.2(TNNT2):c.398T>G (p.Leu133Arg)

Gene: TNNT2 (troponin T2, cardiac type; minus strand). Cytogenetic location: 1q32.1.
Variant type: single nucleotide variant.
Coding change: c.398T>G on transcript NM_001276345.2 (MANE Select); coding-DNA position 398, T replaced by G.
Protein change: p.Leu133Arg; replaces leucine 133 with arginine.
Molecular consequence: missense variant. On other transcripts: intron variant (1).
Genome position (GRCh38, 1-based): chr1:201,365,204, A>C on the plus strand (T>G on the coding strand, the complement: TNNT2 is on the minus strand). VCF-style: chr1-201365204-A-C. GRCh37 (hg19) VCF-style: chr1-201334332-A-C.
Other names: c.398T>G, p.Leu133Arg (NM_000364.4); c.368T>G, p.Leu123Arg (NM_001001430.3, NM_001001431.3, NM_001276347.2); c.353T>G, p.Leu118Arg (NM_001001432.3); c.291+406T>G (NM_001276346.2); c.368T>G (NM_001001430.1); short protein forms L118R, L123R, L133R.
Identifiers: ClinVar variation 1059036 (VCV001059036.10), dbSNP rs2102260711, ClinGen allele CA344206196.

ClinVar aggregate classification (germline): Uncertain significance. Review status: criteria provided, multiple submitters, no conflicts (2 of 4 stars). 2 submissions from 2 submitters: Uncertain significance (2). Last evaluated 2025-04-29.

Conditions:
Cardiovascular phenotype. Identifiers: MedGen CN230736.
Hypertrophic cardiomyopathy 2. Also called: TNNT2-Related Familial Hypertrophic Cardiomyopathy. Identifiers: MedGen C1861864, MONDO:0007266, OMIM 115195.
Dilated cardiomyopathy 1D. Identifiers: Orphanet 154, Orphanet 54260, MedGen C1832243, MONDO:0011095, OMIM 601494.
Cardiomyopathy, familial restrictive, 3. Identifiers: Orphanet 75249, MedGen C2676271, MONDO:0012900, OMIM 612422.

Submissions (2):

Ambry Genetics
Classification: Uncertain significance for Cardiovascular phenotype. Last evaluated: 2025-04-29. Review status: criteria provided, single submitter. Criteria: Ambry Variant Classification Scheme 2023. Collection method: clinical testing. Allele origin: germline.

Labcorp Genetics (formerly Invitae), Labcorp
Classification: Uncertain significance for Cardiomyopathy, familial restrictive, 3; Hypertrophic cardiomyopathy 2; Dilated cardiomyopathy 1D. Last evaluated: 2020-04-19. Review status: criteria provided, single submitter. Criteria: Invitae Variant Classification Sherloc (09022015). Collection method: clinical testing. Allele origin: germline.
Comment: In summary, the available evidence is currently insufficient to determine the role of this variant in disease. Therefore, it has been classified as a Variant of Uncertain Significance. Algorithms developed to predict the effect of missense changes on protein structure and function (SIFT, PolyPhen-2, Align-GVGD) all suggest that this variant is likely to be disruptive, but these predictions have not been confirmed by published functional studies and their clinical significance is uncertain. This variant has not been reported in the literature in individuals with TNNT2-related conditions. This variant is not present in population databases (ExAC no frequency). This sequence change replaces leucine with arginine at codon 123 of the TNNT2 protein (p.Leu123Arg). The leucine residue is highly conserved and there is a moderate physicochemical difference between leucine and arginine.